The following is an entry in ClinVar:

NM_001080467.3(MYO5B):c.3749C>T (p.Ala1250Val)

Gene: MYO5B (myosin VB; minus strand). Cytogenetic location: 18q21.1.
Variant type: single nucleotide variant.
Coding change: c.3749C>T on transcript NM_001080467.3 (MANE Select); coding-DNA position 3749, C replaced by T.
Protein change: p.Ala1250Val; replaces alanine 1250 with valine.
Molecular consequence: missense variant.
Genome position (GRCh38, 1-based): chr18:49,864,235, G>A on the plus strand (C>T on the coding strand, the complement: MYO5B is on the minus strand). VCF-style: chr18-49864235-G-A. GRCh37 (hg19) VCF-style: chr18-47390605-G-A.
Other names: c.3749C>T (NM_001080467.2); short protein forms A1250V.
Identifiers: ClinVar variation 1428163 (VCV001428163.6), dbSNP rs774010032, ClinGen allele CA8960607.

ClinVar aggregate classification (germline): Uncertain significance. Review status: criteria provided, multiple submitters, no conflicts (2 of 4 stars). 2 submissions from 2 submitters: Uncertain significance (2). Last evaluated 2024-07-10.

Conditions:
Inborn genetic diseases. Identifiers: MedGen C0950123, MeSH D030342.

Allele frequency attached by ClinVar (database versions not stated): ExAC 0.00003; gnomAD 0.00001; TOPMed 0.00001; gnomAD exomes 0.00003.
gnomAD v4.1: 42 of 1,613,870 alleles (0.0026%); highest among the groups gnomAD compares: Non-Finnish European, 0.0034%; no homozygotes.

Submissions (2):

Ambry Genetics
Classification: Uncertain significance for Inborn genetic diseases. Last evaluated: 2024-07-10. Review status: criteria provided, single submitter. Criteria: Ambry Variant Classification Scheme 2023. Collection method: clinical testing. Allele origin: germline.

Labcorp Genetics (formerly Invitae), Labcorp
Classification: Uncertain significance. Last evaluated: 2022-10-18. Review status: criteria provided, single submitter. Criteria: Invitae Variant Classification Sherloc (09022015). Collection method: clinical testing. Allele origin: germline.
Comment: This sequence change replaces alanine, which is neutral and non-polar, with valine, which is neutral and non-polar, at codon 1250 of the MYO5B protein (p.Ala1250Val). This variant is present in population databases (rs774010032, gnomAD 0.006%). This variant has not been reported in the literature in individuals affected with MYO5B-related conditions. ClinVar contains an entry for this variant (Variation ID: 1428163). Advanced modeling of protein sequence and biophysical properties (such as structural, functional, and spatial information, amino acid conservation, physicochemical variation, residue mobility, and thermodynamic stability) performed at Invitae indicates that this missense variant is not expected to disrupt MYO5B protein function. In summary, the available evidence is currently insufficient to determine the role of this variant in disease. Therefore, it has been classified as a Variant of Uncertain Significance.